The following is an entry in ClinVar:

NM_001267052.2(UNC45B):c.1974G>A (p.Leu658=)

Gene: UNC45B (unc-45 myosin chaperone B; plus strand). Cytogenetic location: 17q12.
Variant type: single nucleotide variant.
Coding change: c.1974G>A on transcript NM_001267052.2 (MANE Select); coding-DNA position 1974, G replaced by A.
Protein change: p.Leu658=; no amino-acid change (leucine 658 retained).
Molecular consequence: synonymous variant.
Genome position (GRCh38, 1-based): chr17:35,175,983, G>A. VCF-style: chr17-35175983-G-A. GRCh37 (hg19) VCF-style: chr17-33503002-G-A.
Other names: c.1974G>A, p.Leu658= (NM_001033576.2); c.1737G>A, p.Leu579= (NM_001308281.1); c.1980G>A, p.Leu660= (NM_173167.3).
Identifiers: ClinVar variation 1214462 (VCV001214462.8), dbSNP rs369753159, ClinGen allele CA8501366.

ClinVar aggregate classification (germline): Likely benign. Review status: criteria provided, multiple submitters, no conflicts (2 of 4 stars). 3 submissions from 3 submitters: Likely benign (3). Last evaluated 2026-04-01.

Conditions:
UNC45B-related disorder. Also called: UNC45B-related condition.

Allele frequency attached by ClinVar (database versions not stated): ESP Exome Variant Server 0.00008; gnomAD exomes 0.00038 and 0.00076; gnomAD 0.00061 and 0.00072; ExAC 0.00072; 1000 Genomes Project 0.00220; 1000 Genomes Project 30x 0.00234.
gnomAD v4.1: 671 of 1,614,134 alleles (0.042%); highest among the groups gnomAD compares: South Asian, 0.34%; 3 homozygotes.

Submissions (3):

CeGaT Center for Human Genetics Tuebingen
Classification: Likely benign. Last evaluated: 2026-04-01. Review status: criteria provided, single submitter. Criteria: CeGaT Center For Human Genetics Tuebingen Variant Classification Criteria Version 2. Collection method: clinical testing. Allele origin: germline. Affected: yes. Observed: 2 variant alleles.
Comment: UNC45B: BP4, BP7

PreventionGenetics, part of Exact Sciences
Classification: Likely benign for UNC45B-related condition. Last evaluated: 2024-12-13. Review status: criteria provided, single submitter. Criteria: ACMG Guidelines, 2015. Collection method: clinical testing. Allele origin: germline.
Comment: This variant is classified as likely benign based on ACMG/AMP sequence variant interpretation guidelines (Richards et al. 2015 PMID: 25741868, with internal and published modifications).

GeneDx
Classification: Likely benign. Last evaluated: 2018-12-17. Review status: criteria provided, single submitter. Criteria: GeneDx Variant Classification Process June 2021. Collection method: clinical testing. Allele origin: germline. Affected: yes.